The following is an entry in ClinVar:

NM_001735.3(C5):c.1407G>A (p.Trp469Ter)

Gene: C5 (complement C5; minus strand). Cytogenetic location: 9q33.2.
Variant type: single nucleotide variant.
Coding change: c.1407G>A on transcript NM_001735.3 (MANE Select); coding-DNA position 1407, G replaced by A.
Protein change: p.Trp469Ter; replaces tryptophan 469 with a stop codon.
Molecular consequence: nonsense.
Genome position (GRCh38, 1-based): chr9:121,020,075, C>T on the plus strand (G>A on the coding strand, the complement: C5 is on the minus strand). VCF-style: chr9-121020075-C-T. GRCh37 (hg19) VCF-style: chr9-123782353-C-T.
Other names: c.1425G>A, p.Trp475Ter (NM_001317163.2); c.1407G>A, p.Trp469Ter (NM_001317164.2); short protein forms W475*, W469*.
Identifiers: ClinVar variation 1451489 (VCV001451489.7), dbSNP rs1408798589, ClinGen allele CA374751097.

ClinVar aggregate classification (germline): Pathogenic/Likely pathogenic. Review status: criteria provided, multiple submitters, no conflicts (2 of 4 stars). 2 submissions from 2 submitters: Pathogenic (1); Likely pathogenic (1). Last evaluated 2025-06-23.

Conditions:
Eculizumab, poor response to. Identifiers: MedGen C3810402, OMIM 615749.
Complement component 5 deficiency. Also called: C5 DEFICIENCY. Identifiers: MedGen C0343047, MONDO:0012295, OMIM 609536.

Allele frequency attached by ClinVar (database versions not stated): TOPMed below 0.00001; gnomAD exomes 0.00001.
gnomAD v4.1: 3 of 1,613,264 alleles (0.00019%); highest among the groups gnomAD compares: Admixed American, 0.0033%; no homozygotes.

Submissions (2):

Labcorp Genetics (formerly Invitae), Labcorp
Classification: Pathogenic. Last evaluated: 2025-06-23. Review status: criteria provided, single submitter. Criteria: Invitae Variant Classification Sherloc (09022015). Collection method: clinical testing. Allele origin: germline.
Comment: This sequence change creates a premature translational stop signal (p.Trp469*) in the C5 gene. It is expected to result in an absent or disrupted protein product. Loss-of-function variants in C5 are known to be pathogenic (PMID: 7730648, 19414197, 27026170). This variant is present in population databases (no rsID available, gnomAD 0.006%). This variant has not been reported in the literature in individuals affected with C5-related conditions. ClinVar contains an entry for this variant (Variation ID: 1451489). For these reasons, this variant has been classified as Pathogenic.

Fulgent Genetics
Classification: Likely pathogenic for Complement component 5 deficiency; Eculizumab, poor response to. Last evaluated: 2022-04-22. Review status: criteria provided, single submitter. Criteria: ACMG Guidelines, 2015. Collection method: clinical testing. Allele origin: unknown.

Literature cited by the submitters: PubMed 7730648 (cited by Labcorp Genetics (formerly Invitae), Labcorp); PubMed 19414197 (cited by Labcorp Genetics (formerly Invitae), Labcorp); PubMed 27026170 (cited by Labcorp Genetics (formerly Invitae), Labcorp).